The following is an entry in ClinVar:

ClinVar aggregate classification (germline): Uncertain significance (1 of 4 stars; one submission).

Conditions:
Aicardi-Goutieres syndrome 7 (AGS7). Identifiers: Orphanet 51, MedGen C3888244, MONDO:0014367, OMIM 615846.
Singleton-Merten syndrome 1 (SGMRT1). Also called: Widened medullary cavities of bone, aortic calcification, abnormal dentition, and muscular weakness; Syndrome of widened medullary cavities of the metacarpals and phalanges, aortic calcification and abnormal dentition. Identifiers: Orphanet 85191, MedGen C4225427, MONDO:0024535, OMIM 182250.

Allele frequency attached by ClinVar (database versions not stated): gnomAD 0.00001; TOPMed 0.00001.
gnomAD v4.1: 3 of 1,609,460 alleles (0.00019%); highest among the groups gnomAD compares: East Asian, 0.0022%; no homozygotes.

Submission:

Labcorp Genetics (formerly Invitae), Labcorp
Classification: Uncertain significance for Aicardi-Goutieres syndrome 7; Singleton-Merten syndrome 1. Last evaluated: 2023-06-14. Review status: criteria provided, single submitter. Criteria: Invitae Variant Classification Sherloc (09022015). Collection method: clinical testing. Allele origin: germline.
Comment: In summary, the available evidence is currently insufficient to determine the role of this variant in disease. Therefore, it has been classified as a Variant of Uncertain Significance. Advanced modeling of protein sequence and biophysical properties (such as structural, functional, and spatial information, amino acid conservation, physicochemical variation, residue mobility, and thermodynamic stability) has been performed at Invitae for this missense variant, however the output from this modeling did not meet the statistical confidence thresholds required to predict the impact of this variant on IFIH1 protein function. ClinVar contains an entry for this variant (Variation ID: 2197157). This variant has not been reported in the literature in individuals affected with IFIH1-related conditions. This variant is not present in population databases (gnomAD no frequency). This sequence change replaces cysteine, which is neutral and slightly polar, with phenylalanine, which is neutral and non-polar, at codon 138 of the IFIH1 protein (p.Cys138Phe).

NM_022168.4(IFIH1):c.413G>T (p.Cys138Phe)

Gene: IFIH1 (interferon induced with helicase C domain 1; minus strand). Cytogenetic location: 2q24.2.
Variant type: single nucleotide variant.
Coding change: c.413G>T on transcript NM_022168.4 (MANE Select); coding-DNA position 413, G replaced by T.
Protein change: p.Cys138Phe; replaces cysteine 138 with phenylalanine.
Molecular consequence: missense variant.
Genome position (GRCh38, 1-based): chr2:162,317,895, C>A on the plus strand (G>T on the coding strand, the complement: IFIH1 is on the minus strand). VCF-style: chr2-162317895-C-A. GRCh37 (hg19) VCF-style: chr2-163174405-C-A.
Other names: short protein forms C138F.
Identifiers: ClinVar variation 2197157 (VCV002197157.4), dbSNP rs774361518, ClinGen allele CA349013378.